The following is an entry in ClinVar:

NM_172107.4(KCNQ2):c.14C>A (p.Ser5Ter)

Gene: KCNQ2 (potassium voltage-gated channel subfamily Q member 2; minus strand). Cytogenetic location: 20q13.33.
Variant type: single nucleotide variant.
Coding change: c.14C>A on transcript NM_172107.4 (MANE Select); coding-DNA position 14, C replaced by A.
Protein change: p.Ser5Ter; replaces serine 5 with a stop codon.
Molecular consequence: nonsense.
Genome position (GRCh38, 1-based): chr20:63,472,450, G>T on the plus strand (C>A on the coding strand, the complement: KCNQ2 is on the minus strand). VCF-style: chr20-63472450-G-T. GRCh37 (hg19) VCF-style: chr20-62103803-G-T.
Other names: c.14C>A, p.Ser5Ter (NM_001382235.1, NM_004518.6, NM_172106.3 and 2 more transcripts); short protein forms S5*.
Identifiers: ClinVar variation 3776334 (VCV003776334.1).
Genomic context (GRCh38, chr20:63,472,450, plus strand): 5'-ACGAAGCCCACCTTCAGCTTCTTCTCCCCGCTCGGGCCGGGGTATACGCCGCCGTTGCGC[G>T]ACTTCTGCACCATGGTGCCTGGCGGGAGGCGCCCCGGGTCGGGCTCAGGCTCAGCGGGGG-3'

ClinVar aggregate classification (germline): Pathogenic (1 of 4 stars; one submission).

Submission:

GeneDx
Classification: Pathogenic. Last evaluated: 2024-10-01. Review status: criteria provided, single submitter. Criteria: GeneDx Variant Classification Process June 2021. Collection method: clinical testing. Allele origin: germline. Affected: yes.
Comment: Nonsense variant predicted to result in protein truncation or nonsense mediated decay in a gene for which loss of function is a known mechanism of disease; Not observed at significant frequency in large population cohorts (gnomAD); This variant is associated with the following publications: (PMID: 26758118)